The following is an entry in ClinVar:

ClinVar aggregate classification (germline): Benign (0 of 4 stars; one submission).

Conditions:
SARDH-related disorder. Also called: SARDH-related condition.

Allele frequency attached by ClinVar (database versions not stated): gnomAD exomes 0.00035; gnomAD 0.00044; TOPMed 0.00068; ExAC 0.00099; 1000 Genomes Project 30x 0.00250; 1000 Genomes Project 0.00280.
gnomAD v4.1: 575 of 1,613,372 alleles (0.036%); highest among the groups gnomAD compares: East Asian, 1.1%; 5 homozygotes.

Submission:

PreventionGenetics, part of Exact Sciences
Classification: Benign for SARDH-related condition. Last evaluated: 2019-09-10. Review status: no assertion criteria provided. Collection method: clinical testing. Allele origin: germline.
Comment: This variant is classified as benign based on ACMG/AMP sequence variant interpretation guidelines (Richards et al. 2015 PMID: 25741868, with internal and published modifications).

NM_001134707.2(SARDH):c.1419C>T (p.Pro473=)

Gene: SARDH (sarcosine dehydrogenase; minus strand). Cytogenetic location: 9q34.2.
Variant type: single nucleotide variant.
Coding change: c.1419C>T on transcript NM_001134707.2 (MANE Select); coding-DNA position 1419, C replaced by T.
Protein change: p.Pro473=; no amino-acid change (proline 473 retained).
Molecular consequence: synonymous variant.
Genome position (GRCh38, 1-based): chr9:133,708,338, G>A on the plus strand (C>T on the coding strand, the complement: SARDH is on the minus strand). VCF-style: chr9-133708338-G-A. GRCh37 (hg19) VCF-style: chr9-136573460-G-A.
Other names: c.1419C>T, p.Pro473= (NM_007101.4).
Identifiers: ClinVar variation 3039837 (VCV003039837.2), dbSNP rs77400867, ClinGen allele CA5314310.